The following is an entry in ClinVar:

NM_000426.4(LAMA2):c.523G>T (p.Glu175Ter)

Gene: LAMA2 (laminin subunit alpha 2; plus strand). Cytogenetic location: 6q22.33.
Variant type: single nucleotide variant.
Coding change: c.523G>T on transcript NM_000426.4 (MANE Select); coding-DNA position 523, G replaced by T.
Protein change: p.Glu175Ter; replaces glutamic acid 175 with a stop codon.
Molecular consequence: nonsense.
Genome position (GRCh38, 1-based): chr6:129,098,299, G>T. VCF-style: chr6-129098299-G-T. GRCh37 (hg19) VCF-style: chr6-129419444-G-T.
Other names: c.523G>T, p.Glu175Ter (NM_001079823.2); short protein forms E175*.
Identifiers: ClinVar variation 242517 (VCV000242517.10), dbSNP rs863224891, ClinGen allele CA351346.

ClinVar aggregate classification (germline): Pathogenic (1 of 4 stars; one submission).

Conditions:
LAMA2-related muscular dystrophy (LAMA2-RD). Also called: Laminin alpha 2-related dystrophy. Identifiers: MedGen C5679788, MONDO:0100228.

Submission:

Labcorp Genetics (formerly Invitae), Labcorp
Classification: Pathogenic for LAMA2-related muscular dystrophy. Last evaluated: 2021-12-15. Review status: criteria provided, single submitter. Criteria: Invitae Variant Classification Sherloc (09022015). Collection method: clinical testing. Allele origin: germline.
Comment: This sequence change creates a premature translational stop signal (p.Glu175*) in the LAMA2 gene. It is expected to result in an absent or disrupted protein product. Loss-of-function variants in LAMA2 are known to be pathogenic (PMID: 18700894, 32904964). This variant is not present in population databases (gnomAD no frequency). This premature translational stop signal has been observed in individual(s) with LAMA2-related disease (PMID: 25326637). In at least one individual the data is consistent with being in trans (on the opposite chromosome) from a pathogenic variant. ClinVar contains an entry for this variant (Variation ID: 242517). For these reasons, this variant has been classified as Pathogenic.

Literature cited by the submitters: PubMed 18700894; PubMed 32904964; PubMed 25326637.